The following is an entry in ClinVar:

ClinVar aggregate classification (germline): Likely benign. Review status: criteria provided, multiple submitters, no conflicts (2 of 4 stars). 3 submissions from 3 submitters: Likely benign (3). Last evaluated 2025-11-25.

Conditions:
Hereditary spastic paraplegia 30. Identifiers: Orphanet 101010, MedGen C5235139, MONDO:0012476.
Neuropathy, hereditary sensory, type 2C. Also called: Hereditary sensory and autonomic neuropathy type IIC; KIF1A-Related HSAN2 (HSAN2C). Identifiers: Orphanet 970, MedGen C3280168, MONDO:0013634, OMIM 614213.
Intellectual disability, autosomal dominant 9 (NESCAVS). Also called: NESCAV SYNDROME; KIF1A-Related Neurodevelopmental Disorder. Identifiers: Orphanet 662367, MedGen C5393830, MONDO:0013656, OMIM 614255.

Allele frequency attached by ClinVar (database versions not stated): TOPMed 0.00003; gnomAD 0.00004 and 0.00005; ExAC 0.00011.

Submissions (3):

Labcorp Genetics (formerly Invitae), Labcorp
Classification: Likely benign for Hereditary spastic paraplegia 30; Neuropathy, hereditary sensory, type 2C; Intellectual disability, autosomal dominant 9. Last evaluated: 2025-11-25. Review status: criteria provided, single submitter. Criteria: Invitae Variant Classification Sherloc (09022015). Collection method: clinical testing. Allele origin: germline.

Blueprint Genetics
Classification: Likely benign. Last evaluated: 2023-04-24. Review status: criteria provided, single submitter. Criteria: ACMG Guidelines, 2015. Collection method: clinical testing. Allele origin: germline.

GeneDx
Classification: Likely benign. Last evaluated: 2018-02-05. Review status: criteria provided, single submitter. Criteria: GeneDx Variant Classification (06012015). Collection method: clinical testing. Allele origin: germline. Affected: yes.
Comment: This variant is considered likely benign or benign based on one or more of the following criteria: it is a conservative change, it occurs at a poorly conserved position in the protein, it is predicted to be benign by multiple in silico algorithms, and/or has population frequency not consistent with disease.

NM_001244008.2(KIF1A):c.2444+17G>A

Gene: KIF1A (kinesin family member 1A; minus strand). Cytogenetic location: 2q37.3.
Variant type: single nucleotide variant.
Coding change: c.2444+17G>A on transcript NM_001244008.2 (MANE Select); 17 bases into the intron after coding-DNA position 2444, G replaced by A.
Molecular consequence: intron variant.
Genome position (GRCh38, 1-based): chr2:240,760,648, C>T on the plus strand (G>A on the coding strand, the complement: KIF1A is on the minus strand). VCF-style: chr2-240760648-C-T. GRCh37 (hg19) VCF-style: chr2-241700065-C-T.
Other names: c.2417+17G>A (NM_001379653.1, NM_001379650.1, NM_001379645.1 and 10 more transcripts); c.2519+17G>A (NM_001379635.1, NM_001330290.2, NM_001379646.1 and 2 more transcripts); c.2492+17G>A (NM_001379637.1, NM_001379648.1); c.2444+17G>A (NM_001320705.2, NM_001379638.1, NM_001330289.2).
Identifiers: ClinVar variation 515142 (VCV000515142.10), dbSNP rs749470460, ClinGen allele CA2208103.